The following is an entry in ClinVar:

ClinVar aggregate classification (germline): Conflicting classifications of pathogenicity. Review status: criteria provided, conflicting classifications (1 of 4 stars). 11 submissions from 11 submitters: Pathogenic (4); Likely pathogenic (5); Uncertain significance (1). 1 of the submissions does not count toward it. Last evaluated 2026-06-24.

Conditions:
McKusick-Kaufman syndrome (MKKS). Also called: HYDROMETROCOLPOS SYNDROME; HYDROMETROCOLPOS, POSTAXIAL POLYDACTYLY, AND CONGENITAL HEART MALFORMATION. Identifiers: Orphanet 2473, MedGen C0948368, MONDO:0009367, OMIM 236700.
Bardet-Biedl syndrome 6 (BBS6). Identifiers: Orphanet 110, MedGen C1858054, MONDO:0011523, OMIM 605231.
MKKS-related disorder. Also called: MKKS-related condition; MKKS-related disorders.
Bardet-Biedl syndrome (BBS). Identifiers: Orphanet 110, MedGen C0752166, MONDO:0015229.

Allele frequency attached by ClinVar (database versions not stated): ExAC 0.00001; gnomAD 0.00001; TOPMed 0.00001; gnomAD exomes 0.00002.

Submissions (11):

GeneDx
Classification: Pathogenic. Last evaluated: 2026-06-24. Review status: criteria provided, single submitter. Criteria: GeneDx Variant Classification Process June 2021. Collection method: clinical testing. Allele origin: germline.
Comment: In silico analysis supports that this missense variant has a deleterious effect on protein structure/function; This variant is associated with the following publications: (PMID: 31964843, 33520300, 24400638, 20142850, 35835773, 37431782, 34448047, 37626566, 36833331, 38189974, 39888183)

Labcorp Genetics (formerly Invitae), Labcorp
Classification: Pathogenic for McKusick-Kaufman syndrome; Bardet-Biedl syndrome. Last evaluated: 2025-03-31. Review status: criteria provided, single submitter. Criteria: Invitae Variant Classification Sherloc (09022015). Collection method: clinical testing. Allele origin: germline.
Comment: This sequence change replaces glycine, which is neutral and non-polar, with arginine, which is basic and polar, at codon 250 of the MKKS protein (p.Gly250Arg). This variant is present in population databases (rs768929313, gnomAD 0.01%). This missense change has been observed in individual(s) with Bardet-Biedl syndrome (Bardet-Biedl syndrome). ClinVar contains an entry for this variant (Variation ID: 962801). Invitae Evidence Modeling of protein sequence and biophysical properties (such as structural, functional, and spatial information, amino acid conservation, physicochemical variation, residue mobility, and thermodynamic stability) indicates that this missense variant is expected to disrupt MKKS protein function with a positive predictive value of 95%. This variant disrupts the p.Gly250 amino acid residue in MKKS. Other variant(s) that disrupt this residue have been observed in individuals with MKKS-related conditions (internal data), which suggests that this may be a clinically significant amino acid residue. For these reasons, this variant has been classified as Pathogenic.

Blueprint Genetics
Classification: Pathogenic for MKKS-related disorders. Last evaluated: 2024-10-15. Review status: criteria provided, single submitter. Criteria: ACMG Guidelines, 2015. Collection method: clinical testing. Allele origin: germline. Affected: yes. Observed: 4 variant alleles.

Molecular Genetics, Royal Melbourne Hospital
Classification: Likely pathogenic for Bardet-Biedl syndrome. Last evaluated: 2024-08-05. Review status: criteria provided, single submitter. Criteria: ACMG Guidelines, 2015. Collection method: clinical testing. Allele origin: germline. Inheritance: Autosomal recessive inheritance.

Fulgent Genetics
Classification: Likely pathogenic for McKusick-Kaufman syndrome; Bardet-Biedl syndrome 6. Last evaluated: 2024-06-19. Review status: criteria provided, single submitter. Criteria: ACMG Guidelines, 2015. Collection method: clinical testing. Allele origin: germline.

Baylor Genetics
Classification: Likely pathogenic for Bardet-Biedl syndrome 6. Last evaluated: 2024-02-19. Review status: criteria provided, single submitter. Criteria: ACMG Guidelines, 2015. Collection method: clinical testing. Allele origin: unknown.

SN ONGC Dept of Genetics and Molecular biology Vision Research Foundation
Classification: Likely pathogenic for Bardet-Biedl syndrome. Last evaluated: 2023-06-02. Review status: criteria provided, single submitter. Criteria: ACMG Guidelines, 2015. Collection method: research. Allele origin: unknown. Affected: yes.

Revvity Omics, Revvity
Classification: Uncertain significance. Last evaluated: 2023-02-28. Review status: criteria provided, single submitter. Criteria: ACMG Guidelines, 2015. Collection method: clinical testing. Allele origin: germline.

Women's Health and Genetics/Laboratory Corporation of America, LabCorp
Classification: Pathogenic for Bardet-Biedl syndrome. Last evaluated: 2022-11-15. Review status: criteria provided, single submitter. Criteria: LabCorp Variant Classification Summary - May 2015. Collection method: clinical testing. Allele origin: germline.
Comment: Variant summary: MKKS c.748G>A (p.Gly250Arg) results in a non-conservative amino acid change in the encoded protein sequence. Four of five in-silico tools predict a damaging effect of the variant on protein function. The variant allele was found at a frequency of 1.6e-05 in 251046 control chromosomes (gnomAD). c.748G>A has been reported in the literature in multiple homozygous individuals affected with Bardet-Biedl Syndrome (e.g. Pereiro_2010, Sathya Priya_2015, Huang_2021). These data indicate that the variant is very likely to be associated with disease. To our knowledge, no experimental evidence demonstrating an impact on protein function has been reported. One ClinVar submitter has assessed the variant since 2014: the variant was classified as pathogenic. Based on the evidence outlined above, the variant was classified as pathogenic.

Clinical Genetics Service, Universitary Hospital 12 de Octubre
Classification: Likely pathogenic for Bardet-Biedl syndrome 6. Review status: criteria provided, single submitter. Criteria: ACMG Guidelines, 2015. Collection method: clinical testing. Allele origin: germline. Affected: yes.

PreventionGenetics, part of Exact Sciences
Classification: Pathogenic for MKKS-related condition. Last evaluated: 2024-08-29. Review status: no assertion criteria provided. Collection method: clinical testing. Allele origin: germline. Not counted in ClinVar's aggregate classification.
Comment: The MKKS c.748G>A variant is predicted to result in the amino acid substitution p.Gly250Arg. This variant has been reported in the homozygous state in multiple individuals with Bardet-Biedl syndrome (see for example, Pereiro et al. 2010. PubMed ID: 20142850; Huang et al. 2021. PubMed ID: 33520300; Rao et al. 2023. PubMed ID: 36833331). This variant is reported in 0.0098% of alleles in individuals of South Asian descent in gnomAD. This variant is interpreted as pathogenic.

Literature cited by the submitters: PubMed 33520300 (cited by Women's Health and Genetics/Laboratory Corporation of America, LabCorp); PubMed 20142850 (cited by Women's Health and Genetics/Laboratory Corporation of America, LabCorp); PubMed 24400638 (cited by Women's Health and Genetics/Laboratory Corporation of America, LabCorp).

NM_170784.3(MKKS):c.748G>A (p.Gly250Arg)

Gene: MKKS (MKKS centrosomal shuttling protein; minus strand). Cytogenetic location: 20p12.2.
Variant type: single nucleotide variant.
Coding change: c.748G>A on transcript NM_170784.3 (MANE Select); coding-DNA position 748, G replaced by A.
Protein change: p.Gly250Arg; replaces glycine 250 with arginine.
Molecular consequence: missense variant.
Genome position (GRCh38, 1-based): chr20:10,412,767, C>T on the plus strand (G>A on the coding strand, the complement: MKKS is on the minus strand). VCF-style: chr20-10412767-C-T. GRCh37 (hg19) VCF-style: chr20-10393415-C-T.
Other names: c.748G>A, p.Gly250Arg (NM_018848.3); short protein forms G250R.
Identifiers: ClinVar variation 962801 (VCV000962801.22), dbSNP rs768929313, ClinGen allele CA9763635.